The following is an entry in ClinVar:

ClinVar aggregate classification (germline): Uncertain significance. Review status: criteria provided, multiple submitters, no conflicts (2 of 4 stars). 2 submissions from 2 submitters: Uncertain significance (2). Last evaluated 2026-03-12.

Conditions:
Aortic aneurysm, familial thoracic 7 (AAT7). Also called: AORTIC DISSECTION, FAMILIAL, WITH OR WITHOUT AORTIC ANEURYSM. Identifiers: MedGen C3151077, MONDO:0013418, OMIM 613780.
Familial thoracic aortic aneurysm and aortic dissection (TAAD). Also called: Thoracic aortic aneurysms and dissections. Identifiers: Orphanet 91387, MedGen C4707243, MONDO:0019625.

Allele frequency attached by ClinVar (database versions not stated): ExAC 0.00001; gnomAD 0.00001.
gnomAD v4.1: 1 of 1,614,090 alleles (0.000062%); highest among the groups gnomAD compares: African/African-American, 0.0013%; no homozygotes.

Submissions (2):

Ambry Genetics
Classification: Uncertain significance for Familial thoracic aortic aneurysm and aortic dissection. Last evaluated: 2026-03-12. Review status: criteria provided, single submitter. Criteria: Ambry Variant Classification Scheme 2023. Collection method: clinical testing. Allele origin: germline.
Comment: The p.V784L variant (also known as c.2350G>C), located in coding exon 13 of the MYLK gene, results from a G to C substitution at nucleotide position 2350. The valine at codon 784 is replaced by leucine, an amino acid with highly similar properties. This amino acid position is conserved. In addition, the in silico prediction for this alteration is inconclusive. Based on the available evidence, the clinical significance of this variant remains unclear.

Labcorp Genetics (formerly Invitae), Labcorp
Classification: Uncertain significance for Aortic aneurysm, familial thoracic 7. Last evaluated: 2024-11-04. Review status: criteria provided, single submitter. Criteria: Invitae Variant Classification Sherloc (09022015). Collection method: clinical testing. Allele origin: germline.
Comment: This sequence change replaces valine, which is neutral and non-polar, with leucine, which is neutral and non-polar, at codon 784 of the MYLK protein (p.Val784Leu). This variant is present in population databases (rs779637665, gnomAD 0.007%). This variant has not been reported in the literature in individuals affected with MYLK-related conditions. ClinVar contains an entry for this variant (Variation ID: 3159762). Invitae Evidence Modeling of protein sequence and biophysical properties (such as structural, functional, and spatial information, amino acid conservation, physicochemical variation, residue mobility, and thermodynamic stability) indicates that this missense variant is not expected to disrupt MYLK protein function with a negative predictive value of 80%. In summary, the available evidence is currently insufficient to determine the role of this variant in disease. Therefore, it has been classified as a Variant of Uncertain Significance.

NM_053025.4(MYLK):c.2350G>C (p.Val784Leu)

Gene: MYLK (myosin light chain kinase; minus strand). Cytogenetic location: 3q21.1.
Variant type: single nucleotide variant.
Coding change: c.2350G>C on transcript NM_053025.4 (MANE Select); coding-DNA position 2350, G replaced by C.
Protein change: p.Val784Leu; replaces valine 784 with leucine.
Molecular consequence: missense variant.
Genome position (GRCh38, 1-based): chr3:123,707,794, C>G on the plus strand (G>C on the coding strand, the complement: MYLK is on the minus strand). VCF-style: chr3-123707794-C-G. GRCh37 (hg19) VCF-style: chr3-123426641-C-G.
Other names: c.1822G>C, p.Val608Leu (NM_001321309.2); c.2143G>C, p.Val715Leu (NM_053026.4, NM_053028.4); c.2350G>C, p.Val784Leu (NM_053027.4); short protein forms V608L, V715L, V784L.
Identifiers: ClinVar variation 3159762 (VCV003159762.4), dbSNP rs779637665, ClinGen allele CA068418.
Genomic context (GRCh38, chr3:123,707,794, plus strand): 5'-GGCTGGACATGCAGACTCACTTGAGCAGGATCTCATACTGGCCGGCATGCCAGGGCTGCA[C>G]CTTCTTTAGAACCAGGGTGAACACGTCCTCATTCTGAAGCACCTCGAAGTGGCCAGTGTC-3'
Protein context (NP_444253.3, residues 774-794): EDVFTLVLKK[Val784Leu]QPWHAGQYEI